The following is an entry in ClinVar:

ClinVar aggregate classification (germline): Uncertain significance. Review status: criteria provided, multiple submitters, no conflicts (2 of 4 stars). 3 submissions from 3 submitters: Uncertain significance (3). Last evaluated 2024-12-02.

Conditions:
Hereditary spastic paraplegia 3A (SPG3A). Also called: SPASTIC PARAPLEGIA 3, AUTOSOMAL DOMINANT; FAMILIAL SPASTIC PARAPLEGIA, AUTOSOMAL DOMINANT, 1; SPG3; STRUMPELL DISEASE; Spastic Paraplegia 3A; Spastic paraplegia 3A, autosomal dominant. Identifiers: Orphanet 100984, MedGen C2931355, MONDO:0008437, OMIM 182600.
Inborn genetic diseases. Identifiers: MedGen C0950123, MeSH D030342.

Allele frequency attached by ClinVar (database versions not stated): ExAC 0.00002; gnomAD 0.00003; ESP Exome Variant Server 0.00008.

Submissions (3):

Labcorp Genetics (formerly Invitae), Labcorp
Classification: Uncertain significance for Hereditary spastic paraplegia 3A. Last evaluated: 2024-12-02. Review status: criteria provided, single submitter. Criteria: Invitae Variant Classification Sherloc (09022015). Collection method: clinical testing. Allele origin: germline.
Comment: This sequence change replaces arginine, which is basic and polar, with tryptophan, which is neutral and slightly polar, at codon 55 of the ATL1 protein (p.Arg55Trp). This variant is present in population databases (rs149901427, gnomAD 0.003%). This variant has not been reported in the literature in individuals affected with ATL1-related conditions. ClinVar contains an entry for this variant (Variation ID: 578957). Invitae Evidence Modeling of protein sequence and biophysical properties (such as structural, functional, and spatial information, amino acid conservation, physicochemical variation, residue mobility, and thermodynamic stability) has been performed for this missense variant. However, the output from this modeling did not meet the statistical confidence thresholds required to predict the impact of this variant on ATL1 protein function. In summary, the available evidence is currently insufficient to determine the role of this variant in disease. Therefore, it has been classified as a Variant of Uncertain Significance.

Ambry Genetics
Classification: Uncertain significance for Inborn genetic diseases. Last evaluated: 2024-05-09. Review status: criteria provided, single submitter. Criteria: Ambry Variant Classification Scheme 2023. Collection method: clinical testing. Allele origin: germline.

Revvity Omics, Revvity
Classification: Uncertain significance. Last evaluated: 2022-11-29. Review status: criteria provided, single submitter. Criteria: ACMG Guidelines, 2015. Collection method: clinical testing. Allele origin: germline.

NM_015915.5(ATL1):c.163C>T (p.Arg55Trp)

Gene: ATL1 (atlastin GTPase 1; plus strand). Cytogenetic location: 14q22.1.
Variant type: single nucleotide variant.
Coding change: c.163C>T on transcript NM_015915.5 (MANE Select); coding-DNA position 163, C replaced by T.
Protein change: p.Arg55Trp; replaces arginine 55 with tryptophan.
Molecular consequence: missense variant.
Genome position (GRCh38, 1-based): chr14:50,587,959, C>T. VCF-style: chr14-50587959-C-T. GRCh37 (hg19) VCF-style: chr14-51054677-C-T.
Other names: c.163C>T, p.Arg55Trp (NM_001127713.1, NM_181598.4); short protein forms R55W.
Identifiers: ClinVar variation 578957 (VCV000578957.12), dbSNP rs149901427, ClinGen allele CA7180176.